The following is an entry in ClinVar:

NM_016284.5(CNOT1):c.4434+184T>G

Gene: CNOT1 (CCR4-NOT transcription complex subunit 1; minus strand). Cytogenetic location: 16q21.
Variant type: single nucleotide variant.
Coding change: c.4434+184T>G on transcript NM_016284.5 (MANE Select); 184 bases into the intron after coding-DNA position 4434, T replaced by G.
Molecular consequence: intron variant. On other transcripts: missense variant (1).
Genome position (GRCh38, 1-based): chr16:58,543,423, A>C on the plus strand (T>G on the coding strand, the complement: CNOT1 is on the minus strand). VCF-style: chr16-58543423-A-C. GRCh37 (hg19) VCF-style: chr16-58577327-A-C.
Other names: c.4618T>G, p.Phe1540Val (NM_206999.3); c.4419+184T>G (NM_001265612.2); short protein forms F1540V.
Identifiers: ClinVar variation 4987557 (VCV004987557.1).

ClinVar aggregate classification (germline): Likely benign (1 of 4 stars; one submission).

Conditions:
CNOT1-related disorder. Also called: CNOT1-related condition.

gnomAD v4.1: 70 of 1,490,642 alleles (0.0047%); highest among the groups gnomAD compares: Admixed American, 0.039%; no homozygotes.

Submission:

PreventionGenetics, part of Exact Sciences
Classification: Likely benign for CNOT1-related condition. Last evaluated: 2025-04-28. Review status: criteria provided, single submitter. Criteria: ACMG Guidelines, 2015. Collection method: clinical testing. Allele origin: germline.
Comment: This variant is classified as likely benign based on ACMG/AMP sequence variant interpretation guidelines (Richards et al. 2015 PMID: 25741868, with internal and published modifications).